The following is an entry in ClinVar:

NM_004304.5(ALK):c.3452C>T (p.Thr1151Met)

Gene: ALK (ALK receptor tyrosine kinase; minus strand). Cytogenetic location: 2p23.2.
Variant type: single nucleotide variant.
Coding change: c.3452C>T on transcript NM_004304.5 (MANE Select); coding-DNA position 3452, C replaced by T.
Protein change: p.Thr1151Met; replaces threonine 1151 with methionine.
Molecular consequence: missense variant.
Genome position (GRCh38, 1-based): chr2:29,222,407, G>A on the plus strand (C>T on the coding strand, the complement: ALK is on the minus strand). VCF-style: chr2-29222407-G-A. GRCh37 (hg19) VCF-style: chr2-29445273-G-A.
Other names: c.248C>T, p.Thr83Met (NM_001353765.2); short protein forms T1151M, T83M.
Identifiers: ClinVar variation 18086 (VCV000018086.23), dbSNP rs113994091, ClinGen allele CA341488.

ClinVar aggregate classification (germline): Conflicting classifications of pathogenicity. Review status: criteria provided, conflicting classifications (1 of 4 stars). 6 submissions from 6 submitters: Uncertain significance (3); Likely benign (1). 2 of the submissions do not count toward it. Last evaluated 2026-04-15.

Conditions:
Hereditary cancer-predisposing syndrome. Also called: Hereditary neoplastic syndrome; Neoplastic Syndromes, Hereditary; Hereditary Cancer Syndrome; Tumor predisposition. Identifiers: Orphanet 140162, MedGen C0027672, MeSH D009386, MONDO:0015356.
Neuroblastoma, susceptibility to, 3. Also called: ALK-Related Neuroblastic Tumor Susceptibility. Identifiers: Orphanet 635, MedGen C2751681, MONDO:0013083, OMIM 613014.

Allele frequency attached by ClinVar (database versions not stated): gnomAD exomes 0.00002 and 0.00003; TOPMed 0.00002; gnomAD 0.00004 and 0.00005.
gnomAD v4.1: 31 of 1,613,962 alleles (0.0019%); highest among the groups gnomAD compares: Admixed American, 0.01%; no homozygotes.

Submissions (6):

Ambry Genetics
Classification: Uncertain significance for Hereditary cancer-predisposing syndrome. Last evaluated: 2026-04-15. Review status: criteria provided, single submitter. Criteria: Ambry Variant Classification Scheme 2023. Collection method: clinical testing. Allele origin: germline.
Comment: The p.T1151M variant (also known as c.3452C>T), located in coding exon 22 of the ALK gene, results from a C to T substitution at nucleotide position 3452. The threonine at codon 1151 is replaced by methionine, an amino acid with similar properties. This alteration has been reported in the germline of an individual with neuroblastoma (George RE et al. Nature. 2008 Oct;455:975-8). This amino acid position is highly conserved in available vertebrate species. In addition, this alteration is predicted to be deleterious by in silico analysis. Based on the available evidence, the clinical significance of this variant remains unclear.

Labcorp Genetics (formerly Invitae), Labcorp
Classification: Uncertain significance for Neuroblastoma, susceptibility to, 3. Last evaluated: 2025-10-09. Review status: criteria provided, single submitter. Criteria: Invitae Variant Classification Sherloc (09022015). Collection method: clinical testing. Allele origin: germline.
Comment: This sequence change replaces threonine, which is neutral and polar, with methionine, which is neutral and non-polar, at codon 1151 of the ALK protein (p.Thr1151Met). This variant is present in population databases (rs113994091, gnomAD 0.01%). This missense change has been observed in individual(s) with neuroblastoma (PMID: 18923525; internal data). ClinVar contains an entry for this variant (Variation ID: 18086). An algorithm developed to predict the effect of missense changes on protein structure and function (PolyPhen-2) suggests that this variant is likely to be disruptive. Experimental studies have shown that this missense change does not substantially affect ALK function (PMID: 18923525, 23104988). In summary, the available evidence is currently insufficient to determine the role of this variant in disease. Therefore, it has been classified as a Variant of Uncertain Significance.

GeneDx
Classification: Uncertain significance. Last evaluated: 2023-07-12. Review status: criteria provided, single submitter. Criteria: GeneDx Variant Classification Process June 2021. Collection method: clinical testing. Allele origin: germline. Affected: yes.
Comment: In silico analysis supports that this missense variant has a deleterious effect on protein structure/function; Published functional studies demonstrate no damaging effect: ERK activation, foci stimulation, and auto-phosphorylation similar to wildtype (George et al., 2008; Chand et al., 2013); Identified in an individual with neuroblastoma and another with pediatric leukemia (George et al., 2008; Waanders et al., 2017); This variant is associated with the following publications: (PMID: 18923525, 22072639, 21838707, 27733777, 27009859, 23104988)

Illumina Laboratory Services, Illumina
Classification: Likely benign for Neuroblastoma, susceptibility to, 3. Last evaluated: 2017-04-27. Review status: criteria provided, single submitter. Criteria: ICSL Variant Classification Criteria 13 December 2019. Collection method: clinical testing. Allele origin: germline.
Comment: This variant was observed as part of a predisposition screen in an ostensibly healthy population. A literature search was performed for the gene, cDNA change, and amino acid change (where applicable). Publications were found based on this search. The evidence from the literature, in combination with allele frequency data from public databases where available, was sufficient to determine this variant is unlikely to cause disease. Therefore, this variant is classified as likely benign.

OMIM
Classification: risk factor for NEUROBLASTOMA, SUSCEPTIBILITY TO, 3. Last evaluated: 2008-10-16. Review status: no assertion criteria provided. Collection method: literature only. Allele origin: germline. Not counted in ClinVar's aggregate classification.

GeneReviews
No classification provided. Condition: Neuroblastoma, susceptibility to, 3. Review status: no classification provided. Collection method: literature only. Allele origin: germline. Not counted in ClinVar's aggregate classification.

Literature cited by the submitters: PubMed 18923525 (cited by 5 submitters); PubMed 23104988 (cited by Labcorp Genetics (formerly Invitae), Labcorp and Illumina Laboratory Services, Illumina); NCBI Bookshelf NBK24599 (cited by GeneReviews).